The following is an entry in ClinVar:

NM_020738.4(KIDINS220):c.754G>A (p.Val252Met)

Gene: KIDINS220 (kinase D interacting substrate 220; minus strand). Cytogenetic location: 2p25.1.
Variant type: single nucleotide variant.
Coding change: c.754G>A on transcript NM_020738.4 (MANE Select); coding-DNA position 754, G replaced by A.
Protein change: p.Val252Met; replaces valine 252 with methionine.
Molecular consequence: missense variant. On other transcripts: non-coding transcript variant (2).
Genome position (GRCh38, 1-based): chr2:8,802,977, C>T on the plus strand (G>A on the coding strand, the complement: KIDINS220 is on the minus strand). VCF-style: chr2-8802977-C-T. GRCh37 (hg19) VCF-style: chr2-8943107-C-T.
Other names: c.757G>A, p.Val253Met (NM_001348729.2, NM_001348731.2, NM_001348734.2 and 3 more transcripts); c.754G>A, p.Val252Met (NM_001348732.2, NM_001348735.2, NM_001348738.2 and 3 more transcripts); c.628G>A, p.Val210Met (NM_001348736.2); short protein forms V210M, V252M, V253M.
Identifiers: ClinVar variation 3348673 (VCV003348673.1).

ClinVar aggregate classification (germline): Uncertain significance (0 of 4 stars; one submission).

Conditions:
KIDINS220-related disorder. Also called: KIDINS220-related condition.

gnomAD v4.1: 20 of 1,613,972 alleles (0.0012%); highest among the groups gnomAD compares: Non-Finnish European, 0.0015%; no homozygotes.

Submission:

PreventionGenetics, part of Exact Sciences
Classification: Uncertain significance for KIDINS220-related condition. Last evaluated: 2024-09-28. Review status: no assertion criteria provided. Collection method: clinical testing. Allele origin: germline.
Comment: The KIDINS220 c.754G>A variant is predicted to result in the amino acid substitution p.Val252Met. To our knowledge, this variant has not been reported in the literature or in a large population database, indicating this variant is rare. At this time, the clinical significance of this variant is uncertain due to the absence of conclusive functional and genetic evidence.